The following is an entry in ClinVar:

ClinVar aggregate classification (germline): Pathogenic (1 of 4 stars; one submission).

Conditions:
Gaze palsy, familial horizontal, with progressive scoliosis 1 (HGPPS1). Identifiers: Orphanet 2744, MedGen C4551964, MONDO:0020790, OMIM 607313.

Submission:

3billion
Classification: Pathogenic for Gaze palsy, familial horizontal, with progressive scoliosis 1. Last evaluated: 2025-05-19. Review status: criteria provided, single submitter. Criteria: ACMG Guidelines, 2015. Collection method: clinical testing. Allele origin: germline. Affected: yes.
Comment: The variant is not observed in the gnomAD v4.1.0 dataset. Predicted Consequence/Location: Stop-gained (nonsense): predicted to result in a loss or disruption of normal protein function through nonsense-mediated decay (NMD) or protein truncation. Multiple pathogenic variants are reported downstream of the variant. Therefore, this variant is classified as Pathogenic according to the recommendation of ACMG/AMP guideline.

NM_022370.4(ROBO3):c.1985G>A (p.Trp662Ter)

Gene: ROBO3 (roundabout guidance receptor 3; plus strand). Cytogenetic location: 11q24.2.
Variant type: single nucleotide variant.
Coding change: c.1985G>A on transcript NM_022370.4 (MANE Select); coding-DNA position 1985, G replaced by A.
Protein change: p.Trp662Ter; replaces tryptophan 662 with a stop codon.
Molecular consequence: nonsense.
Genome position (GRCh38, 1-based): chr11:124,874,821, G>A. VCF-style: chr11-124874821-G-A. GRCh37 (hg19) VCF-style: chr11-124744717-G-A.
Other names: short protein forms W662*.
Identifiers: ClinVar variation 4854697 (VCV004854697.1).